The following is an entry in ClinVar:

NM_153638.4(PANK2):c.-4G>T

Genes: PANK2 (pantothenate kinase 2; plus strand), PANK2-AS1 (PANK2 antisense RNA 1; minus strand). Cytogenetic location: 20p13.
Variant type: single nucleotide variant.
Coding change: c.-4G>T on transcript NM_153638.4; 4 bases upstream of the start codon, G replaced by T.
Molecular consequence: 5 prime UTR variant. On other transcripts: intron variant (1).
Genome position (GRCh38, 1-based): chr20:3,889,097, G>T. VCF-style: chr20-3889097-G-T. GRCh37 (hg19) VCF-style: chr20-3869744-G-T.
Other names: c.-4G>T (NM_001324192.1); c.-246+193G>T (NM_024960.6).
Identifiers: ClinVar variation 3051873 (VCV003051873.2), dbSNP rs561953057, ClinGen allele CA9750453.

ClinVar aggregate classification (germline): Likely benign (0 of 4 stars; one submission).

Conditions:
PANK2-related disorder. Also called: PANK2-related condition.

Allele frequency attached by ClinVar (database versions not stated): gnomAD 0.00003; TOPMed 0.00005; 1000 Genomes Project 30x 0.00016; 1000 Genomes Project 0.00020; ExAC 0.00012.
gnomAD v4.1: 66 of 1,539,924 alleles (0.0043%); highest among the groups gnomAD compares: Middle Eastern, 0.16%; no homozygotes.

Submission:

PreventionGenetics, part of Exact Sciences
Classification: Likely benign for PANK2-related condition. Last evaluated: 2019-03-12. Review status: no assertion criteria provided. Collection method: clinical testing. Allele origin: germline.
Comment: This variant is classified as likely benign based on ACMG/AMP sequence variant interpretation guidelines (Richards et al. 2015 PMID: 25741868, with internal and published modifications).